The following is an entry in ClinVar:

ClinVar aggregate classification (germline): Uncertain significance (1 of 4 stars; one submission).

Conditions:
Bethlem myopathy 1A. Also called: Bethlem myopathy 1; Bethlem Muscular Dystrophy; MYOPATHY, BENIGN CONGENITAL, WITH CONTRACTURES. Identifiers: Orphanet 610, MedGen CN029274, MONDO:0024530, OMIM 158810.

Submission:

Labcorp Genetics (formerly Invitae), Labcorp
Classification: Uncertain significance for Bethlem myopathy 1A. Last evaluated: 2021-09-14. Review status: criteria provided, single submitter. Criteria: Invitae Variant Classification Sherloc (09022015). Collection method: clinical testing. Allele origin: germline.
Comment: In summary, the available evidence is currently insufficient to determine the role of this variant in disease. Therefore, it has been classified as a Variant of Uncertain Significance. This variant disrupts the triple helix domain of COL6A3. Glycine residues within the Gly-Xaa-Yaa repeats of the triple helix domain are required for the structure and stability of fibrillar collagens (PMID: 7695699, 8218237, 19344236). In COL6A3, missense variants at these glycine residues are significantly enriched in individuals with autosomal dominant disease (PMID: 15689448, 24038877) compared to the general population (ExAC). Advanced modeling of protein sequence and biophysical properties (such as structural, functional, and spatial information, amino acid conservation, physicochemical variation, residue mobility, and thermodynamic stability) performed at Invitae indicates that this missense variant is expected to disrupt COL6A3 protein function. This variant has not been reported in the literature in individuals affected with COL6A3-related conditions. This variant is not present in population databases (ExAC no frequency). This sequence change replaces glycine with arginine at codon 2146 of the COL6A3 protein (p.Gly2146Arg). The glycine residue is highly conserved and there is a moderate physicochemical difference between glycine and arginine.

Literature cited by the submitters: PubMed 7695699; PubMed 8218237; PubMed 19344236; PubMed 15689448; PubMed 24038877.

NM_004369.4(COL6A3):c.6436G>A (p.Gly2146Arg)

Gene: COL6A3 (collagen type VI alpha 3 chain; minus strand). Cytogenetic location: 2q37.3.
Variant type: single nucleotide variant.
Coding change: c.6436G>A on transcript NM_004369.4 (MANE Select); coding-DNA position 6436, G replaced by A.
Protein change: p.Gly2146Arg; replaces glycine 2146 with arginine.
Molecular consequence: missense variant.
Genome position (GRCh38, 1-based): chr2:237,358,556, C>T on the plus strand (G>A on the coding strand, the complement: COL6A3 is on the minus strand). VCF-style: chr2-237358556-C-T. GRCh37 (hg19) VCF-style: chr2-238267199-C-T.
Other names: c.4615G>A, p.Gly1539Arg (NM_057166.5); c.5818G>A, p.Gly1940Arg (NM_057167.4); short protein forms G2146R, G1539R, G1940R.
Identifiers: ClinVar variation 1404954 (VCV001404954.6), dbSNP rs2106340509, ClinGen allele CA351215388.